The following is an entry in ClinVar:

ClinVar aggregate classification (germline): Benign/Likely benign. Review status: criteria provided, multiple submitters, no conflicts (2 of 4 stars). 6 submissions from 6 submitters: Benign (1); Likely benign (3). 2 of the submissions do not count toward it. Last evaluated 2026-01-27.

Conditions:
FANCC-related disorder. Also called: FANCC-related condition.
Hereditary cancer-predisposing syndrome. Also called: Hereditary neoplastic syndrome; Hereditary Cancer Syndrome; Neoplastic Syndromes, Hereditary; Tumor predisposition. Identifiers: Orphanet 140162, MedGen C0027672, MeSH D009386, MONDO:0015356.
Fanconi anemia (FA). Also called: Fanconi's anemia. Identifiers: Orphanet 84, MedGen C0015625, MeSH D005199, MONDO:0019391.
Fanconi anemia complementation group C (FANCC). Also called: Fanconi anemia, group C; FANCC-Related Fanconi Anemia; FANCONI PANCYTOPENIA, TYPE 3; FACC. Identifiers: Orphanet 84, MedGen C3468041, MONDO:0009213, OMIM 227645.

Allele frequency attached by ClinVar (database versions not stated): gnomAD 0.00003 and 0.00005; TOPMed 0.00003; ExAC 0.00012; gnomAD exomes 0.00012.
gnomAD v4.1: 28 of 1,614,022 alleles (0.0017%); highest among the groups gnomAD compares: East Asian, 0.062%; no homozygotes.

Submissions (6):

Labcorp Genetics (formerly Invitae), Labcorp
Classification: Likely benign for Fanconi anemia. Last evaluated: 2026-01-27. Review status: criteria provided, single submitter. Criteria: Invitae Variant Classification Sherloc (09022015). Collection method: clinical testing. Allele origin: germline.

KCCC/NGS Laboratory, Kuwait Cancer Control Center
Classification: Benign for Fanconi anemia complementation group C. Last evaluated: 2025-02-01. Review status: criteria provided, single submitter. Criteria: ACMG Guidelines, 2015. Collection method: clinical testing. Allele origin: germline. Affected: no.

Ambry Genetics
Classification: Likely benign for Hereditary cancer-predisposing syndrome. Last evaluated: 2018-06-11. Review status: criteria provided, single submitter. Criteria: Ambry Variant Classification Scheme 2023. Collection method: clinical testing. Allele origin: germline.

GeneDx
Classification: Likely benign. Last evaluated: 2018-01-30. Review status: criteria provided, single submitter. Criteria: GeneDx Variant Classification (06012015). Collection method: clinical testing. Allele origin: germline. Affected: yes.
Comment: This variant is considered likely benign or benign based on one or more of the following criteria: it is a conservative change, it occurs at a poorly conserved position in the protein, it is predicted to be benign by multiple in silico algorithms, and/or has population frequency not consistent with disease.

Natera, Inc.
Classification: Likely benign for Fanconi anemia, group C. Last evaluated: 2020-09-16. Review status: no assertion criteria provided. Collection method: clinical testing. Allele origin: germline. Not counted in ClinVar's aggregate classification.

PreventionGenetics, part of Exact Sciences
Classification: Likely benign for FANCC-related condition. Last evaluated: 2019-03-07. Review status: no assertion criteria provided. Collection method: clinical testing. Allele origin: germline. Not counted in ClinVar's aggregate classification.
Comment: This variant is classified as likely benign based on ACMG/AMP sequence variant interpretation guidelines (Richards et al. 2015 PMID: 25741868, with internal and published modifications).

NM_000136.3(FANCC):c.906C>G (p.Leu302=)

Genes: FANCC (FA complementation group C; minus strand), AOPEP (aminopeptidase O (putative); plus strand). Cytogenetic location: 9q22.32.
Variant type: single nucleotide variant.
Coding change: c.906C>G on transcript NM_000136.3 (MANE Select); coding-DNA position 906, C replaced by G.
Protein change: p.Leu302=; no amino-acid change (leucine 302 retained).
Molecular consequence: synonymous variant.
Genome position (GRCh38, 1-based): chr9:95,125,176, G>C on the plus strand (C>G on the coding strand, the complement: FANCC is on the minus strand). VCF-style: chr9-95125176-G-C. GRCh37 (hg19) VCF-style: chr9-97887458-G-C.
Other names: c.906C>G, p.Leu302= (NM_001243743.2, NM_001243744.2).
Identifiers: ClinVar variation 377847 (VCV000377847.20), dbSNP rs766079351, ClinGen allele CA5137581.